The following is an entry in ClinVar:

NM_001009944.3(PKD1):c.111C>A (p.Cys37Ter)

Gene: PKD1 (polycystin 1, transient receptor potential channel interacting; minus strand). Cytogenetic location: 16p13.3.
Variant type: single nucleotide variant.
Coding change: c.111C>A on transcript NM_001009944.3 (MANE Select); coding-DNA position 111, C replaced by A.
Protein change: p.Cys37Ter; replaces cysteine 37 with a stop codon.
Molecular consequence: nonsense.
Genome position (GRCh38, 1-based): chr16:2,135,579, G>T on the plus strand (C>A on the coding strand, the complement: PKD1 is on the minus strand). VCF-style: chr16-2135579-G-T. GRCh37 (hg19) VCF-style: chr16-2185580-G-T.
Other names: c.111C>A, p.Cys37Ter (NM_000296.4); short protein forms C37*.
Identifiers: ClinVar variation 997355 (VCV000997355.27), dbSNP rs2092941027, ClinGen allele CA394282677.

ClinVar aggregate classification (germline): Pathogenic. Review status: criteria provided, multiple submitters, no conflicts (2 of 4 stars). 3 submissions from 3 submitters: Pathogenic (2). 1 of the submissions does not count toward it. Last evaluated 2025-11-04.

Conditions:
Polycystic kidney disease, adult type (PKD1). Also called: Polycystic Kidney, Autosomal Dominant; POLYCYSTIC KIDNEY DISEASE, ADULT, TYPE I; Polycystic Kidney Disease 1, Autosomal Dominant; Polycystic kidney disease 1; Polycystic kidney disease 1, severe; POLYCYSTIC KIDNEY DISEASE 1 WITH OR WITHOUT POLYCYSTIC LIVER DISEASE. Identifiers: MedGen C3149841, MONDO:0008263, OMIM 173900.
Polycystic kidney disease. Also called: Kidney, Polycystic; Polycystic kidney dysplasia. Identifiers: MedGen C0022680, MeSH D007690, MONDO:0020642, HP:0000113.

Submissions (3):

Institute of Human Genetics, University of Leipzig Medical Center
Classification: Pathogenic for Polycystic kidney disease, adult type. Last evaluated: 2025-11-04. Review status: criteria provided, single submitter. Criteria: ACMG Guidelines, 2015. Collection method: clinical testing. Allele origin: unknown. Inheritance: Autosomal dominant inheritance. Affected: yes.
Comment: Criteria applied: PVS1,PS4_MOD,PM2

CeGaT Center for Human Genetics Tuebingen
Classification: Pathogenic. Last evaluated: 2023-07-01. Review status: criteria provided, single submitter. Criteria: CeGaT Center For Human Genetics Tuebingen Variant Classification Criteria Version 2. Collection method: clinical testing. Allele origin: germline. Affected: yes. Observed: 1 variant allele.
Comment: PKD1: PVS1, PM2

Department of Pathology and Laboratory Medicine, Sinai Health System
Classification: Pathogenic for Polycystic Kidney disease. Review status: no assertion criteria provided. Collection method: clinical testing. Allele origin: unknown. Affected: yes. Study: The Canadian Open Genetics Repository (COGR). Not counted in ClinVar's aggregate classification.
Comment: The PKD1 p.Cys37X variant was identified in 1 of 186 proband chromosomes (frequency: 0.01) from individuals or families with ADPKD (Hoefele 2011). The variant was also identified in the ADPKD Mutation Database (classified as definitely pathogenic. The variant was not identified in the following databases: dbSNP, ClinVar, COGR, LOVD 3.0, or PKD1-LOVD. The variant was not identified in the 1000 Genomes Project, the NHLBI GO Exome Sequencing Project or the Exome Aggregation Consortium (August 8th 2016). The p.Cys37X variant leads to a premature stop codon at position 37, which is predicted to lead to a truncated or absent protein and loss of function. Loss of function variants of the PKD1 gene are an established mechanism of disease in ADPKD and is the type of variant expected to cause the disorder. In summary, based on the above information, this variant meets our laboratoryâ€šÃ„Ã´s criteria to be classified as pathogenic.